The following is an entry in ClinVar:

ClinVar aggregate classification (germline): Uncertain significance (1 of 4 stars; one submission).

Conditions:
Leber congenital amaurosis 2 (LCA2). Also called: Autosomal Recessive RPE65-Related Retinal Degeneration; AMAUROSIS CONGENITA OF LEBER II. Identifiers: Orphanet 65, MedGen C1859844, MONDO:0008765, OMIM 204100. Disease mechanism: loss of function.
Retinitis pigmentosa 20 (RP20). Identifiers: Orphanet 791, MedGen C3151086, MONDO:0013425, OMIM 613794.

Allele frequency attached by ClinVar (database versions not stated): gnomAD exomes below 0.00001; ExAC 0.00001.
gnomAD v4.1: 2 of 1,614,140 alleles (0.00012%); highest among the groups gnomAD compares: Admixed American, 0.0017%; no homozygotes.

Submission:

Labcorp Genetics (formerly Invitae), Labcorp
Classification: Uncertain significance for Leber congenital amaurosis 2; Retinitis pigmentosa 20. Last evaluated: 2022-03-10. Review status: criteria provided, single submitter. Criteria: Invitae Variant Classification Sherloc (09022015). Collection method: clinical testing. Allele origin: germline.
Comment: This sequence change replaces threonine, which is neutral and polar, with isoleucine, which is neutral and non-polar, at codon 129 of the RPE65 protein (p.Thr129Ile). This variant is present in population databases (rs768336015, gnomAD 0.003%). This missense change has been observed in individuals with RPE65-related conditions (PMID: 31736247; Invitae). Algorithms developed to predict the effect of missense changes on protein structure and function are either unavailable or do not agree on the potential impact of this missense change (SIFT: "Tolerated"; PolyPhen-2: "Probably Damaging"; Align-GVGD: "Class C0"). In summary, the available evidence is currently insufficient to determine the role of this variant in disease. Therefore, it has been classified as a Variant of Uncertain Significance.

Literature cited by the submitters: PubMed 31736247.

NM_000329.3(RPE65):c.386C>T (p.Thr129Ile)

Gene: RPE65 (retinoid isomerohydrolase RPE65; minus strand). Cytogenetic location: 1p31.3.
Variant type: single nucleotide variant.
Coding change: c.386C>T on transcript NM_000329.3 (MANE Select); coding-DNA position 386, C replaced by T.
Protein change: p.Thr129Ile; replaces threonine 129 with isoleucine.
Molecular consequence: missense variant.
Genome position (GRCh38, 1-based): chr1:68,444,640, G>A on the plus strand (C>T on the coding strand, the complement: RPE65 is on the minus strand). VCF-style: chr1-68444640-G-A. GRCh37 (hg19) VCF-style: chr1-68910323-G-A.
Other names: short protein forms T129I.
Identifiers: ClinVar variation 1397945 (VCV001397945.3), dbSNP rs768336015, ClinGen allele CA902516.
Genomic context (GRCh38, chr1:68,444,640, plus strand): 5'-GTCTCTGTGCAAGCGTAGTAATCTTCCCCCACTGGGTAGACATTAACAAGGGCATTGTCA[G>A]TAACCTCTACTCCTCGAAAGTAAGAAAAAAACCTGTAGAAACAAATGAATTTTTCAGTCC-3'
Protein context (NP_000320.1, residues 119-139): FFSYFRGVEV[Thr129Ile]DNALVNVYPV